The following is an entry in ClinVar:

NM_000035.4(ALDOB):c.470_472dup (p.Cys158Ter)

Gene: ALDOB (aldolase, fructose-bisphosphate B; minus strand). Cytogenetic location: 9q31.1.
Variant type: Duplication.
Coding change: c.470_472dup on transcript NM_000035.4 (MANE Select); coding-DNA positions 470 to 472, 3 bases duplicated (AGT; older notation c.470_472dupAGT).
Protein change: p.Cys158Ter; replaces cysteine 158 with a stop codon.
Molecular consequence: nonsense.
Genome position (GRCh38, 1-based): chr9:101,427,550-101,427,552, ACT duplicated on the plus strand (AGT on the coding strand, the reverse complement: ALDOB is on the minus strand). VCF-style (leftmost placement, unchanged base first): chr9-101427549-C-CACT. GRCh37 (hg19) VCF-style: chr9-104189831-C-CACT.
Other names: short protein forms C158*.
Identifiers: ClinVar variation 5004866 (VCV005004866.1).

ClinVar aggregate classification (germline): Pathogenic (1 of 4 stars; one submission).

Conditions:
Hereditary fructosuria. Also called: Hereditary fructose intolerance; ALDOB DEFICIENCY; ALDOLASE B DEFICIENCY; FRUCTOSE-1,6-BISPHOSPHATE ALDOLASE B DEFICIENCY; FRUCTOSE-1-PHOSPHATE ALDOLASE DEFICIENCY; FRUCTOSEMIA. Identifiers: Orphanet 469, MedGen C0016751, MONDO:0009249, OMIM 229600, HP:0005973. Disease mechanism: loss of function.

Submission:

Myriad Genetics, Inc.
Classification: Pathogenic for Hereditary fructosuria. Last evaluated: 2026-08-21. Review status: criteria provided, single submitter. Criteria: Myriad Autosomal Dominant, Autosomal Recessive and X-Linked Classification Criteria (2023). Collection method: clinical testing. Allele origin: unknown.
Comment: NM_000035.3(ALDOB):c.470_472dupAGT(C158*) is a nonsense variant classified as pathogenic in the context of hereditary fructose intolerance. C158* has not been observed in cases with relevant disease. Relevant functional assessments of this variant are not available in the literature. C158* has not been observed in referenced population frequency databases. In summary, NM_000035.3(ALDOB):c.470_472dupAGT(C158*) is a nonsense variant in a gene where loss of function is a known mechanism of disease and is predicted to disrupt protein function. Please note: this variant was assessed in the context of healthy population screening.